The following is an entry in ClinVar:

NM_018129.4(PNPO):c.539_541dup (p.Asp180_Arg181insHis)

Gene: PNPO (pyridoxamine 5'-phosphate oxidase; plus strand). Cytogenetic location: 17q21.32.
Variant type: Duplication.
Coding change: c.539_541dup on transcript NM_018129.4 (MANE Select); coding-DNA positions 539 to 541, 3 bases duplicated (ATC; older notation c.539_541dupATC).
Protein change: p.Asp180_Arg181insHis.
Molecular consequence: inframe insertion.
Genome position (GRCh38, 1-based): chr17:47,945,982-47,945,984, ATC duplicated. VCF-style (leftmost placement, unchanged base first): chr17-47945981-G-GATC. GRCh37 (hg19) VCF-style: chr17-46023347-G-GATC.
Other names: c.539_541dupATC (NM_018129.3).
Identifiers: ClinVar variation 430237 (VCV000430237.10), dbSNP rs1131691848, ClinGen allele CA645369734.
Genomic context (GRCh38, chr17:47,945,981, plus strand): 5'-TCCCGCCCCAAGAGCAGCCAGATTGGGGCTGTGGTCAGCCACCAGAGTTCTGTGATCCCT[G>GATC]ATCGGGAGGTGAGTGGAGCTCCGCTGTAGTCCTCCAGGTGGTGGAGGCTTTGGCTTATCC-3'

ClinVar aggregate classification (germline): Uncertain significance. Review status: criteria provided, multiple submitters, no conflicts (2 of 4 stars). 2 submissions from 2 submitters: Uncertain significance (2). Last evaluated 2023-11-27.

Conditions:
Pyridoxal phosphate-responsive seizures (PNPOD). Also called: Pyridoxal 5'-Phosphate (PLP)-Dependent Epilepsy; EPILEPTIC ENCEPHALOPATHY, NEONATAL, PNPO-RELATED; Pyridoxamine 5-Prime-Phosphate Oxidase Deficiency; Pyridoxine-5'-phosphate oxidase deficiency; SEIZURES, PYRIDOXINE-RESISTANT, PLP-SENSITIVE. Identifiers: Orphanet 79096, MedGen C1864723, MONDO:0012407, OMIM 610090. Disease mechanism: loss of function.

Submissions (2):

Labcorp Genetics (formerly Invitae), Labcorp
Classification: Uncertain significance for Pyridoxal phosphate-responsive seizures. Last evaluated: 2023-11-27. Review status: criteria provided, single submitter. Criteria: Invitae Variant Classification Sherloc (09022015). Collection method: clinical testing. Allele origin: germline.
Comment: This variant, c.539_541dup, results in the insertion of 1 amino acid(s) of the PNPO protein (p.Asp180_Arg181insHis), but otherwise preserves the integrity of the reading frame. This variant is not present in population databases (gnomAD no frequency). This variant has not been reported in the literature in individuals affected with PNPO-related conditions. ClinVar contains an entry for this variant (Variation ID: 430237). Experimental studies and prediction algorithms are not available or were not evaluated, and the functional significance of this variant is currently unknown. In summary, the available evidence is currently insufficient to determine the role of this variant in disease. Therefore, it has been classified as a Variant of Uncertain Significance.

GeneDx
Classification: Uncertain significance. Last evaluated: 2017-05-18. Review status: criteria provided, single submitter. Criteria: GeneDx Variant Classification (06012015). Collection method: clinical testing. Allele origin: germline. Affected: yes.
Comment: A variant of uncertain significance has been identified in the PNPO gene. The c.539_541dupATC variant has not been published as a pathogenic variant, nor has it been reported as a benign variant to our knowledge. The c.539_541dupATC variant is not observed in large population cohorts (Lek et al., 2016; 1000 Genomes Consortium et al., 2015; Exome Variant Server). The c.539_541dupATC variant results in an in-frame insertion of a single Histidine residue, denoted p.Asp180_Arg181insH. The c.539_541dupATC variant alters residues that are conserved in mammals, and in silico analysis predicts this variant is probably damaging to the protein structure/function. Based on the currently available information, it is unclear whether this variant is a pathogenic variant or a rare benign variant.